The following is an entry in ClinVar:

NM_003901.4(SGPL1):c.68C>G (p.Ser23Cys)

Gene: SGPL1 (sphingosine-1-phosphate lyase 1; plus strand). Cytogenetic location: 10q22.1.
Variant type: single nucleotide variant.
Coding change: c.68C>G on transcript NM_003901.4 (MANE Select); coding-DNA position 68, C replaced by G.
Protein change: p.Ser23Cys; replaces serine 23 with cysteine.
Molecular consequence: missense variant.
Genome position (GRCh38, 1-based): chr10:70,844,513, C>G. VCF-style: chr10-70844513-C-G. GRCh37 (hg19) VCF-style: chr10-72604270-C-G.
Other names: short protein forms S23C.
Identifiers: ClinVar variation 1925701 (VCV001925701.2), dbSNP rs1333186046, ClinGen allele CA377112989.
Genomic context (GRCh38, chr10:70,844,513, plus strand): 5'-TTTTTCACTTGTATTTCTAGAAGGCCTTTGAGCCCTACTTAGAGATTTTGGAAGTATACT[C>G]CACAAAAGCCAAGAATTATGTAAATGGACATTGCACCAAGTATGAGCCCTGGCAGCTAAT-3'
Protein context (NP_003892.2, residues 13-33): EPYLEILEVY[Ser23Cys]TKAKNYVNGH

ClinVar aggregate classification (germline): Uncertain significance (1 of 4 stars; one submission).

gnomAD v4.1: 3 of 1,613,870 alleles (0.00019%); highest among the groups gnomAD compares: Admixed American, 0.005%; no homozygotes.

Submission:

Labcorp Genetics (formerly Invitae), Labcorp
Classification: Uncertain significance. Last evaluated: 2022-04-26. Review status: criteria provided, single submitter. Criteria: Invitae Variant Classification Sherloc (09022015). Collection method: clinical testing. Allele origin: germline.
Comment: This sequence change replaces serine, which is neutral and polar, with cysteine, which is neutral and slightly polar, at codon 23 of the SGPL1 protein (p.Ser23Cys). This variant is not present in population databases (gnomAD no frequency). This variant has not been reported in the literature in individuals affected with SGPL1-related conditions. Algorithms developed to predict the effect of missense changes on protein structure and function output the following: SIFT: "Tolerated"; PolyPhen-2: "Benign"; Align-GVGD: "Class C0". The cysteine amino acid residue is found in multiple mammalian species, which suggests that this missense change does not adversely affect protein function. In summary, the available evidence is currently insufficient to determine the role of this variant in disease. Therefore, it has been classified as a Variant of Uncertain Significance.